The following is an entry in ClinVar:

ClinVar aggregate classification (germline): Uncertain significance. Review status: criteria provided, multiple submitters, no conflicts (2 of 4 stars). 2 submissions from 2 submitters: Uncertain significance (2). Last evaluated 2024-05-06.

Conditions:
Bent bone dysplasia syndrome 1 (BBDS1). Also called: FGFR2-related bent bone dysplasia. Identifiers: Orphanet 313855, MedGen C3281247, MONDO:0013815, OMIM 614592.
Crouzon syndrome. Also called: Craniofacial dysostosis; CRANIOFACIAL DYSOSTOSIS, TYPE I; Craniofacial dysostosis type 1; Crouzon craniofacial dysostosis; Crouzon disease. Identifiers: Orphanet 207, MedGen C0010273, MeSH D003394, MONDO:0007405, OMIM 123500, HP:0004439.
Familial scaphocephaly syndrome, McGillivray type. Also called: SCAPHOCEPHALY, MAXILLARY RETRUSION, AND IMPAIRED INTELLECTUAL DEVELOPMENT. Identifiers: Orphanet 168624, MedGen C1865070, MONDO:0012307, OMIM 609579.
Acrocephalosyndactyly type I (ACS1). Also called: Apert syndrome; Acrocephalo-syndactyly type 1; ACS 1; Syndactylic oxycephaly. Identifiers: Orphanet 87, MedGen C0001193, MONDO:0007041, OMIM 101200.
Gastric cancer. Also called: Malignant tumor of stomach; Stomach cancer. Identifiers: MedGen C0024623, MeSH D013274, MONDO:0001056, OMIM 613659, HP:0012126.
Jackson-Weiss syndrome (JWS). Also called: CRANIOSYNOSTOSIS, MIDFACIAL HYPOPLASIA, AND FOOT ABNORMALITIES. Identifiers: Orphanet 1540, MedGen C0795998, MONDO:0007400, OMIM 123150. Disease mechanism: loss of function.
Beare-Stevenson cutis gyrata syndrome (BSTVS). Identifiers: Orphanet 1555, MedGen C1852406, MONDO:0007412, OMIM 123790.
Saethre-Chotzen syndrome (SCS). Also called: CHOTZEN SYNDROME; ACROCEPHALY, SKULL ASYMMETRY, AND MILD SYNDACTYLY; ACS III. Identifiers: Orphanet 794, MedGen C0175699, MONDO:0007042, OMIM 101400.
LADD syndrome 1 (LADD1). Also called: Lacrimoauriculodentodigital syndrome 1. Identifiers: MedGen C5774323, MONDO:0100302, OMIM 149730.
Antley-Bixler syndrome without genital anomalies or disordered steroidogenesis (ABS2). Also called: MULTISYNOSTOTIC OSTEODYSGENESIS WITH LONG BONE FRACTURES; Antley-Bixler Syndrome, Autosomal Dominant; Trapezoidocephaly synostosis syndrome; Osteodysgenesis, multisynostotic with fractures. Identifiers: Orphanet 596008, Orphanet 83, MedGen C2936791, MONDO:0020667, OMIM 207410.
Pfeiffer syndrome (ACS5). Also called: ACS V. Identifiers: Orphanet 710, MedGen C0220658, MONDO:0007043, OMIM 101600.
FGFR2-related craniosynostosis. Identifiers: MedGen CN231480.

Allele frequency attached by ClinVar (database versions not stated): gnomAD exomes below 0.00001; ExAC 0.00001; gnomAD 0.00001; TOPMed 0.00002.
gnomAD v4.1: 7 of 1,614,112 alleles (0.00043%); highest among the groups gnomAD compares: Admixed American, 0.0083%; no homozygotes.

Submissions (2):

Labcorp Genetics (formerly Invitae), Labcorp
Classification: Uncertain significance for FGFR2-related craniosynostosis. Last evaluated: 2024-05-06. Review status: criteria provided, single submitter. Criteria: Invitae Variant Classification Sherloc (09022015). Collection method: clinical testing. Allele origin: germline.
Comment: This sequence change replaces valine, which is neutral and non-polar, with isoleucine, which is neutral and non-polar, at codon 496 of the FGFR2 protein (p.Val496Ile). This variant is present in population databases (rs751731391, gnomAD 0.009%). This variant has not been reported in the literature in individuals affected with FGFR2-related conditions. ClinVar contains an entry for this variant (Variation ID: 1971541). Advanced modeling of protein sequence and biophysical properties (such as structural, functional, and spatial information, amino acid conservation, physicochemical variation, residue mobility, and thermodynamic stability) performed at Invitae indicates that this missense variant is expected to disrupt FGFR2 protein function with a positive predictive value of 95%. In summary, the available evidence is currently insufficient to determine the role of this variant in disease. Therefore, it has been classified as a Variant of Uncertain Significance.

Fulgent Genetics
Classification: Uncertain significance for Acrocephalosyndactyly type I; Saethre-Chotzen syndrome; Pfeiffer syndrome; Jackson-Weiss syndrome; Crouzon syndrome; Beare-Stevenson cutis gyrata syndrome; LADD syndrome 1; Antley-Bixler syndrome without genital anomalies or disordered steroidogenesis; Familial scaphocephaly syndrome, McGillivray type; Gastric cancer; Bent bone dysplasia syndrome 1. Last evaluated: 2023-12-28. Review status: criteria provided, single submitter. Criteria: ACMG Guidelines, 2015. Collection method: clinical testing. Allele origin: germline.

NM_000141.5(FGFR2):c.1486G>A (p.Val496Ile)

Gene: FGFR2 (fibroblast growth factor receptor 2; minus strand). Cytogenetic location: 10q26.13.
Variant type: single nucleotide variant.
Coding change: c.1486G>A on transcript NM_000141.5 (MANE Select); coding-DNA position 1486, G replaced by A.
Protein change: p.Val496Ile; replaces valine 496 with isoleucine.
Molecular consequence: missense variant. On other transcripts: non-coding transcript variant (1).
Genome position (GRCh38, 1-based): chr10:121,500,901, C>T on the plus strand (G>A on the coding strand, the complement: FGFR2 is on the minus strand). VCF-style: chr10-121500901-C-T. GRCh37 (hg19) VCF-style: chr10-123260415-C-T.
Other names: c.1489G>A, p.Val497Ile (NM_001144913.1, NM_022970.4); c.1150G>A, p.Val384Ile (NM_001144914.1); c.1219G>A, p.Val407Ile (NM_001144915.2, NM_023029.3); c.1141G>A, p.Val381Ile (NM_001144916.2); c.1138G>A, p.Val380Ile (NM_001144917.2); c.1135G>A, p.Val379Ile (NM_001144918.2); c.1222G>A, p.Val408Ile (NM_001144919.2); c.802G>A, p.Val268Ile (NM_001320654.2); and 1 more; short protein forms V381I, V384I, V268I, V380I, V496I, V379I, V407I, V408I.
Identifiers: ClinVar variation 1971541 (VCV001971541.6), dbSNP rs751731391, ClinGen allele CA5720731.